The following is an entry in ClinVar:

NM_001572.5(IRF7):c.1013C>G (p.Pro338Arg)

Gene: IRF7 (interferon regulatory factor 7; minus strand). Cytogenetic location: 11p15.5.
Variant type: single nucleotide variant.
Coding change: c.1013C>G on transcript NM_001572.5 (MANE Select); coding-DNA position 1013, C replaced by G.
Protein change: p.Pro338Arg; replaces proline 338 with arginine.
Molecular consequence: missense variant.
Genome position (GRCh38, 1-based): chr11:613,430, G>C on the plus strand (C>G on the coding strand, the complement: IRF7 is on the minus strand). VCF-style: chr11-613430-G-C. GRCh37 (hg19) VCF-style: chr11-613430-G-C.
Other names: c.926C>G, p.Pro309Arg (NM_004029.4); c.1052C>G, p.Pro351Arg (NM_004031.4); short protein forms P338R, P351R, P309R.
Identifiers: ClinVar variation 1431502 (VCV001431502.8), dbSNP rs1856566388, ClinGen allele CA378979150.
Genomic context (GRCh38, chr11:613,430, plus strand): 5'-TGCAACCCAGGGGCCACGTGCCGCAGCAGTTCCTCCGTGTAGCGCAGCTGCTTCTGGTCC[G>C]GGAGCTCGGCAGGGCTGGGGAATGCTACCTGCTGGGGGTCTGTGGCCCGGACAGCTGGGT-3'
Protein context (NP_001563.2, residues 328-348): QVAFPSPAEL[Pro338Arg]DQKQLRYTEE

ClinVar aggregate classification (germline): Uncertain significance (1 of 4 stars; one submission).

Conditions:
Immunodeficiency 39 (IMD39). Identifiers: Orphanet 574918, MedGen C4225358, MONDO:0014597, OMIM 616345.

Allele frequency attached by ClinVar (database versions not stated): gnomAD exomes below 0.00001; TOPMed below 0.00001.
gnomAD v4.1: 2 of 1,562,256 alleles (0.00013%); highest among the groups gnomAD compares: Middle Eastern, 0.017%; no homozygotes.

Submission:

Labcorp Genetics (formerly Invitae), Labcorp
Classification: Uncertain significance for Immunodeficiency 39. Last evaluated: 2022-07-25. Review status: criteria provided, single submitter. Criteria: Invitae Variant Classification Sherloc (09022015). Collection method: clinical testing. Allele origin: germline.
Comment: This sequence change replaces proline, which is neutral and non-polar, with arginine, which is basic and polar, at codon 351 of the IRF7 protein (p.Pro351Arg). This variant is not present in population databases (gnomAD no frequency). This variant has not been reported in the literature in individuals affected with IRF7-related conditions. ClinVar contains an entry for this variant (Variation ID: 1431502). Algorithms developed to predict the effect of missense changes on protein structure and function are either unavailable or do not agree on the potential impact of this missense change (SIFT: "Tolerated"; PolyPhen-2: "Probably Damaging"; Align-GVGD: "Class C0"). In summary, the available evidence is currently insufficient to determine the role of this variant in disease. Therefore, it has been classified as a Variant of Uncertain Significance.